The following is an entry in ClinVar:

ClinVar aggregate classification (germline): Pathogenic (1 of 4 stars; one submission).

Submission:

Labcorp Genetics (formerly Invitae), Labcorp
Classification: Pathogenic. Last evaluated: 2022-08-16. Review status: criteria provided, single submitter. Criteria: Invitae Variant Classification Sherloc (09022015). Collection method: clinical testing. Allele origin: germline.
Comment: For these reasons, this variant has been classified as Pathogenic. This variant has not been reported in the literature in individuals affected with POLE-related conditions. This variant is not present in population databases (gnomAD no frequency). This sequence change creates a premature translational stop signal (p.Asp1214Alafs*3) in the POLE gene. It is expected to result in an absent or disrupted protein product. Loss-of-function variants in POLE are known to be pathogenic (PMID: 23230001, 25948378, 30503519).

Literature cited by the submitters: PubMed 23230001; PubMed 25948378; PubMed 30503519.

NM_006231.4(POLE):c.3641_3647del (p.Asp1214fs)

Gene: POLE (DNA polymerase epsilon, catalytic subunit; minus strand). Cytogenetic location: 12q24.33.
Variant type: Deletion.
Coding change: c.3641_3647del on transcript NM_006231.4 (MANE Select); coding-DNA positions 3641 to 3647, 7 bases deleted (ACTTCGG; older notation c.3641_3647delACTTCGG).
Protein change: p.Asp1214fs; shifts the reading frame from aspartic acid 1214.
Molecular consequence: frameshift variant.
Genome position (GRCh38, 1-based): chr12:132,649,825-132,649,831, CCGAAGT deleted on the plus strand (ACTTCGG on the coding strand, the reverse complement: POLE is on the minus strand); deleting any 7 consecutive bases within chr12:132,649,825-132,649,833 gives the same sequence; the c. name uses the placement nearest the transcript's 3' end. VCF-style (leftmost placement, unchanged base first): chr12-132649824-GCCGAAGT-G. GRCh37 (hg19) VCF-style: chr12-133226410-GCCGAAGT-G.
Other names: short protein forms D1214fs.
Identifiers: ClinVar variation 2802715 (VCV002802715.3), dbSNP rs2541955334, ClinGen allele CA2739277427.